The following is an entry in ClinVar:

ClinVar aggregate classification (germline): Likely benign. Review status: criteria provided, multiple submitters, no conflicts (2 of 4 stars). 2 submissions from 2 submitters: Likely benign (2). Last evaluated 2018-06-19.

Allele frequency attached by ClinVar (database versions not stated): 1000 Genomes Project 30x 0.00874; 1000 Genomes Project 0.00901; ExAC 0.01419; ESP Exome Variant Server 0.01468; gnomAD exomes 0.01474 and 0.02274; TOPMed 0.01505; gnomAD 0.01515.
gnomAD v4.1: 22,590 of 1,038,037 alleles (2.2%); highest among the groups gnomAD compares: Non-Finnish European, 2.7%; 221 homozygotes.

Submissions (2):

GeneDx
Classification: Likely benign. Last evaluated: 2018-06-19. Review status: criteria provided, single submitter. Criteria: GeneDx Variant Classification (06012015). Collection method: clinical testing. Allele origin: germline. Affected: yes.
Comment: This variant is considered likely benign or benign based on one or more of the following criteria: it is a conservative change, it occurs at a poorly conserved position in the protein, it is predicted to be benign by multiple in silico algorithms, and/or has population frequency not consistent with disease.

Breakthrough Genomics
Classification: Likely benign. Review status: criteria provided, single submitter. Criteria: ACMG Guidelines, 2015. Collection method: not provided. Allele origin: germline. Inheritance: X-linked inheritance. Affected: yes.

NM_000052.7(ATP7A):c.4226+48A>G

Gene: ATP7A (ATPase copper transporting alpha; plus strand). Cytogenetic location: Xq21.1.
Variant type: single nucleotide variant.
Coding change: c.4226+48A>G on transcript NM_000052.7 (MANE Select); 48 bases into the intron after coding-DNA position 4226, A replaced by G.
Molecular consequence: intron variant.
Genome position (GRCh38, 1-based): chrX:78,045,620, A>G. VCF-style: chrX-78045620-A-G. GRCh37 (hg19) VCF-style: chrX-77301117-A-G.
Other names: c.3992+48A>G (NM_001282224.2).
Identifiers: ClinVar variation 674136 (VCV000674136.2), dbSNP rs17218310, ClinGen allele CA10459522.